The following is an entry in ClinVar:

NM_138425.4(C12orf57):c.35G>T (p.Ser12Ile)

Gene: C12orf57 (chromosome 12 open reading frame 57; plus strand). Cytogenetic location: 12p13.31.
Variant type: single nucleotide variant.
Coding change: c.35G>T on transcript NM_138425.4 (MANE Select); coding-DNA position 35, G replaced by T.
Protein change: p.Ser12Ile; replaces serine 12 with isoleucine.
Molecular consequence: missense variant. On other transcripts: 5 prime UTR variant (1), non-coding transcript variant (1), intron variant (1).
Genome position (GRCh38, 1-based): chr12:6,944,156, G>T. VCF-style: chr12-6944156-G-T. GRCh37 (hg19) VCF-style: chr12-7053319-G-T.
Other names: c.35G>T, p.Ser12Ile (NM_001301834.1, NM_001301837.2); c.-167G>T (NM_001301838.2); c.14-320G>T (NM_001301836.2); c.35G>T (NM_138425.2); short protein forms S12I.
Identifiers: ClinVar variation 1681815 (VCV001681815.4), dbSNP rs148483779, ClinGen allele CA6421187.

ClinVar aggregate classification (germline): Uncertain significance. Review status: criteria provided, multiple submitters, no conflicts (2 of 4 stars). 2 submissions from 2 submitters: Uncertain significance (2). Last evaluated 2022-08-16.

Conditions:
Inborn genetic diseases. Identifiers: MedGen C0950123, MeSH D030342.
Temtamy syndrome (TEMTYS). Also called: MENTAL RETARDATION WITH OR WITHOUT CRANIOFACIAL DYSMORPHISM, OCULAR COLOBOMA, OR ABNORMAL CORPUS CALLOSUM. Identifiers: Orphanet 1777, MedGen C1857512, MONDO:0009033, OMIM 218340.

Allele frequency attached by ClinVar (database versions not stated): ESP Exome Variant Server 0.00015.

Submissions (2):

Labcorp Genetics (formerly Invitae), Labcorp
Classification: Uncertain significance for Temtamy syndrome. Last evaluated: 2022-08-16. Review status: criteria provided, single submitter. Criteria: Invitae Variant Classification Sherloc (09022015). Collection method: clinical testing. Allele origin: germline.
Comment: This sequence change replaces serine, which is neutral and polar, with isoleucine, which is neutral and non-polar, at codon 12 of the C12orf57 protein (p.Ser12Ile). This variant is present in population databases (rs148483779, gnomAD 0.02%). This variant has not been reported in the literature in individuals affected with C12orf57-related conditions. ClinVar contains an entry for this variant (Variation ID: 1681815). Algorithms developed to predict the effect of missense changes on protein structure and function are either unavailable or do not agree on the potential impact of this missense change (SIFT: "Deleterious"; PolyPhen-2: "Benign"; Align-GVGD: "Class C0"). In summary, the available evidence is currently insufficient to determine the role of this variant in disease. Therefore, it has been classified as a Variant of Uncertain Significance.

Ambry Genetics
Classification: Uncertain significance for Inborn genetic diseases. Last evaluated: 2022-04-19. Review status: criteria provided, single submitter. Criteria: Ambry Variant Classification Scheme 2023. Collection method: clinical testing. Allele origin: germline.